The following is an entry in ClinVar:

NM_004329.3(BMPR1A):c.1308C>G (p.Ile436Met)

Gene: BMPR1A (bone morphogenetic protein receptor type 1A; plus strand). Cytogenetic location: 10q23.2.
Variant type: single nucleotide variant.
Coding change: c.1308C>G on transcript NM_004329.3 (MANE Select); coding-DNA position 1308, C replaced by G.
Protein change: p.Ile436Met; replaces isoleucine 436 with methionine.
Molecular consequence: missense variant. On other transcripts: non-coding transcript variant (3).
Genome position (GRCh38, 1-based): chr10:86,921,661, C>G. VCF-style: chr10-86921661-C-G. GRCh37 (hg19) VCF-style: chr10-88681418-C-G.
Other names: c.1308C>G, p.Ile436Met (NM_001406573.1, NM_001406574.1, NM_001406575.1 and 19 more transcripts); c.1383C>G, p.Ile461Met (NM_001406559.1); c.1356C>G, p.Ile452Met (NM_001406560.1); c.1302C>G, p.Ile434Met (NM_001406583.1); c.1224C>G, p.Ile408Met (NM_001406584.1, NM_001406585.1, NM_001406586.1 and 2 more transcripts); c.966C>G, p.Ile322Met (NM_001406589.1); short protein forms I322M, I436M, I434M, I408M, I452M, I461M.
Identifiers: ClinVar variation 2736263 (VCV002736263.3), dbSNP rs1554891351, ClinGen allele CA377462350.

ClinVar aggregate classification (germline): Uncertain significance (1 of 4 stars; one submission).

Conditions:
Juvenile polyposis syndrome (JPS). Identifiers: Orphanet 2929, MedGen C0345893, MONDO:0017380, OMIM 174900.

Submission:

Labcorp Genetics (formerly Invitae), Labcorp
Classification: Uncertain significance for Juvenile polyposis syndrome. Last evaluated: 2024-09-12. Review status: criteria provided, single submitter. Criteria: Invitae Variant Classification Sherloc (09022015). Collection method: clinical testing. Allele origin: germline.
Comment: This sequence change replaces isoleucine, which is neutral and non-polar, with methionine, which is neutral and non-polar, at codon 436 of the BMPR1A protein (p.Ile436Met). This variant is not present in population databases (gnomAD no frequency). This variant has not been reported in the literature in individuals affected with BMPR1A-related conditions. Invitae Evidence Modeling of protein sequence and biophysical properties (such as structural, functional, and spatial information, amino acid conservation, physicochemical variation, residue mobility, and thermodynamic stability) indicates that this missense variant is not expected to disrupt BMPR1A protein function with a negative predictive value of 80%. In summary, the available evidence is currently insufficient to determine the role of this variant in disease. Therefore, it has been classified as a Variant of Uncertain Significance.